The following is an entry in ClinVar:

NM_000540.3(RYR1):c.6305T>A (p.Val2102Glu)

Gene: RYR1 (ryanodine receptor 1; plus strand). Cytogenetic location: 19q13.2.
Variant type: single nucleotide variant.
Coding change: c.6305T>A on transcript NM_000540.3 (MANE Select); coding-DNA position 6305, T replaced by A.
Protein change: p.Val2102Glu; replaces valine 2102 with glutamic acid.
Molecular consequence: missense variant.
Genome position (GRCh38, 1-based): chr19:38,494,382, T>A. VCF-style: chr19-38494382-T-A. GRCh37 (hg19) VCF-style: chr19-38985022-T-A.
Other names: c.6305T>A, p.Val2102Glu (NM_001042723.2); short protein forms V2102E.
Identifiers: ClinVar variation 3385420 (VCV003385420.1).
Genomic context (GRCh38, chr19:38,494,382, plus strand): 5'-GCTCCAAGCCTTGCATTGTCTCCTTCCCAGGGTCCCTGCAGGAGCTGGTGTCCCACATGG[T>A]GGTGCGCTGGGCCCAAGAGGACTTCGTGCAGAGCCCCGAGCTGGTGCGGGCCATGTTCAG-3'
Protein context (NP_000531.2, residues 2092-2112): RSLQELVSHM[Val2102Glu]VRWAQEDFVQ

ClinVar aggregate classification (germline): Uncertain significance (1 of 4 stars; one submission).

Conditions:
Malignant hyperthermia, susceptibility to, 1 (MHS1). Also called: Anesthesia related hyperthermia; Malignant hyperpyrexia; Fulminating hyperpyrexia; Pharmacogenic myopathy; Malignant hyperthermia suceptibility 1; RYR1-Related Malignant Hyperthermia Susceptibility. Identifiers: Orphanet 423, MedGen C2930980, MONDO:0007783, OMIM 145600.

gnomAD v4.1: 1 of 1,611,724 alleles (0.000062%); highest among the groups gnomAD compares: Non-Finnish European, 0.000085%; no homozygotes.

Submission:

All of Us Research Program, National Institutes of Health
Classification: Uncertain significance for Malignant hyperthermia, susceptibility to, 1. Last evaluated: 2024-09-23. Review status: criteria provided, single submitter. Criteria: ACMG Guidelines, 2015. Collection method: clinical testing. Allele origin: germline. Inheritance: Autosomal dominant inheritance. Observed: 1 variant allele, 1 heterozygote.
Comment: This study involves interpretation of variants in research participants for the purpose of population health screening. Participant phenotype was not available at the time of variant classification. Additional details can be found in publication PMID: 35346344, PMCID: PMC8962531